The following is an entry in ClinVar:

ClinVar aggregate classification (germline): Uncertain significance (1 of 4 stars; one submission).

Allele frequency attached by ClinVar (database versions not stated): gnomAD exomes below 0.00001; TOPMed below 0.00001.
gnomAD v4.1: 2 of 1,614,136 alleles (0.00012%); highest among the groups gnomAD compares: Non-Finnish European, 0.00017%; no homozygotes.

Submission:

Labcorp Genetics (formerly Invitae), Labcorp
Classification: Uncertain significance. Last evaluated: 2021-12-28. Review status: criteria provided, single submitter. Criteria: Invitae Variant Classification Sherloc (09022015). Collection method: clinical testing. Allele origin: germline.
Comment: This sequence change replaces aspartic acid, which is acidic and polar, with valine, which is neutral and non-polar, at codon 121 of the DNASE1L3 protein (p.Asp121Val). This variant is not present in population databases (gnomAD no frequency). This variant has not been reported in the literature in individuals affected with DNASE1L3-related conditions. Algorithms developed to predict the effect of missense changes on protein structure and function (SIFT, PolyPhen-2, Align-GVGD) all suggest that this variant is likely to be disruptive. In summary, the available evidence is currently insufficient to determine the role of this variant in disease. Therefore, it has been classified as a Variant of Uncertain Significance.

NM_004944.4(DNASE1L3):c.362A>T (p.Asp121Val)

Gene: DNASE1L3 (deoxyribonuclease 1L3; minus strand). Cytogenetic location: 3p14.3.
Variant type: single nucleotide variant.
Coding change: c.362A>T on transcript NM_004944.4 (MANE Select); coding-DNA position 362, A replaced by T.
Protein change: p.Asp121Val; replaces aspartic acid 121 with valine.
Molecular consequence: missense variant.
Genome position (GRCh38, 1-based): chr3:58,204,840, T>A on the plus strand (A>T on the coding strand, the complement: DNASE1L3 is on the minus strand). VCF-style: chr3-58204840-T-A. GRCh37 (hg19) VCF-style: chr3-58190567-T-A.
Other names: c.272A>T, p.Asp91Val (NM_001256560.2); short protein forms D121V, D91V.
Identifiers: ClinVar variation 1991282 (VCV001991282.4), dbSNP rs1015230177, ClinGen allele CA75475370.